The following is an entry in ClinVar:

NM_032737.4(LMNB2):c.1190G>A (p.Gly397Asp)

Gene: LMNB2 (lamin B2; minus strand). Cytogenetic location: 19p13.3.
Variant type: single nucleotide variant.
Coding change: c.1190G>A on transcript NM_032737.4 (MANE Select); coding-DNA position 1190, G replaced by A.
Protein change: p.Gly397Asp; replaces glycine 397 with aspartic acid.
Molecular consequence: missense variant.
Genome position (GRCh38, 1-based): chr19:2,434,307, C>T on the plus strand (G>A on the coding strand, the complement: LMNB2 is on the minus strand). VCF-style: chr19-2434307-C-T. GRCh37 (hg19) VCF-style: chr19-2434305-C-T.
Other names: short protein forms G397D.
Identifiers: ClinVar variation 4098603 (VCV004098603.2).

ClinVar aggregate classification (germline): Uncertain significance. Review status: criteria provided, multiple submitters, no conflicts (2 of 4 stars). 2 submissions from 2 submitters: Uncertain significance (2). Last evaluated 2025-07-14.

Conditions:
Lipodystrophy, partial, acquired, susceptibility to (APLD). Also called: APLD, SUSCEPTIBILITY TO. Identifiers: MedGen C3887501, MONDO:0100476, OMIM 608709.
Progressive myoclonic epilepsy type 9. Identifiers: Orphanet 457265, MedGen C4225289, MONDO:0014685, OMIM 616540.

gnomAD v4.1: 9 of 1,612,792 alleles (0.00056%); highest among the groups gnomAD compares: Non-Finnish European, 0.00076%; no homozygotes.

Submissions (2):

Ambry Genetics
Classification: Uncertain significance. Last evaluated: 2025-07-14. Review status: criteria provided, single submitter. Criteria: Ambry Variant Classification Scheme 2023. Collection method: clinical testing. Allele origin: germline.

Labcorp Genetics (formerly Invitae), Labcorp
Classification: Uncertain significance for Progressive myoclonic epilepsy type 9; Lipodystrophy, partial, acquired, susceptibility to. Last evaluated: 2025-06-22. Review status: criteria provided, single submitter. Criteria: Invitae Variant Classification Sherloc (09022015). Collection method: clinical testing. Allele origin: germline.
Comment: This sequence change replaces glycine, which is neutral and non-polar, with aspartic acid, which is acidic and polar, at codon 397 of the LMNB2 protein (p.Gly397Asp). This variant is present in population databases (rs757984604, gnomAD 0.002%). This variant has not been reported in the literature in individuals affected with LMNB2-related conditions. Invitae Evidence Modeling of protein sequence and biophysical properties (such as structural, functional, and spatial information, amino acid conservation, physicochemical variation, residue mobility, and thermodynamic stability) indicates that this missense variant is expected to disrupt LMNB2 protein function with a positive predictive value of 80%. In summary, the available evidence is currently insufficient to determine the role of this variant in disease. Therefore, it has been classified as a Variant of Uncertain Significance.